The following is an entry in ClinVar:

ClinVar aggregate classification (germline): Likely pathogenic (0 of 4 stars; one submission).

Conditions:
Marfan syndrome (MFS). Also called: MARFAN SYNDROME, TYPE I; FBN1-Related Marfan Syndrome; Marfan syndrome type 1; Marfan's syndrome; Marfan syndrome, classic. Identifiers: Orphanet 284963, Orphanet 558, MedGen C0024796, MONDO:0007947, OMIM 154700.

Submission:

deCODE genetics, Amgen
Classification: Likely pathogenic for Marfan syndrome. Last evaluated: 2023-04-10. Review status: no assertion criteria provided. Collection method: research. Allele origin: germline. Affected: yes. Observed: 1 variant allele.
Comment: Applied ACMG criteria: PM2, PP2, PP3, PP4, PP6

Literature cited by the submitters: PubMed 37684520.

NM_000138.5(FBN1):c.8405G>T (p.Gly2802Val)

Gene: FBN1 (fibrillin 1; minus strand). Cytogenetic location: 15q21.1.
Variant type: single nucleotide variant.
Coding change: c.8405G>T on transcript NM_000138.5 (MANE Select); coding-DNA position 8405, G replaced by T.
Protein change: p.Gly2802Val; replaces glycine 2802 with valine.
Molecular consequence: missense variant.
Genome position (GRCh38, 1-based): chr15:48,411,201, C>A on the plus strand (G>T on the coding strand, the complement: FBN1 is on the minus strand). VCF-style: chr15-48411201-C-A. GRCh37 (hg19) VCF-style: chr15-48703398-C-A.
Other names: c.8405G>T, p.Gly2802Val (NM_001406716.1); short protein forms G2802V.
Identifiers: ClinVar variation 2498338 (VCV002498338.1), dbSNP rs770484928, ClinGen allele CA269518598.